The following is an entry in ClinVar:

NM_006231.4(POLE):c.4107C>A (p.Asn1369Lys)

Gene: POLE (DNA polymerase epsilon, catalytic subunit; minus strand). Cytogenetic location: 12q24.33.
Variant type: single nucleotide variant.
Coding change: c.4107C>A on transcript NM_006231.4 (MANE Select); coding-DNA position 4107, C replaced by A.
Protein change: p.Asn1369Lys; replaces asparagine 1369 with lysine.
Molecular consequence: missense variant.
Genome position (GRCh38, 1-based): chr12:132,648,971, G>T on the plus strand (C>A on the coding strand, the complement: POLE is on the minus strand). VCF-style: chr12-132648971-G-T. GRCh37 (hg19) VCF-style: chr12-133225557-G-T.
Other names: c.4107C>A (NM_006231.2); short protein forms N1369K.
Identifiers: ClinVar variation 950556 (VCV000950556.11), dbSNP rs2042351343, ClinGen allele CA387383702.
Genomic context (GRCh38, chr12:132,648,971, plus strand): 5'-GCACCAGCTCCTCCCTACCTTGCGATACGAAGCACCCTCCTCCGCTTTAGCGACTCGCTG[G>T]TTCACGTAGAACACACGGGGGATGCTCAGCCTGATGCAGTGCAAGTCACTGCCAACGAGC-3'
Protein context (NP_006222.2, residues 1359-1379): RLSIPRVFYV[Asn1369Lys]QRVAKAEEGA

ClinVar aggregate classification (germline): Uncertain significance. Review status: criteria provided, multiple submitters, no conflicts (2 of 4 stars). 3 submissions from 3 submitters: Uncertain significance (3). Last evaluated 2025-03-07.

Conditions:
Hereditary cancer-predisposing syndrome. Also called: Tumor predisposition; Hereditary neoplastic syndrome; Neoplastic Syndromes, Hereditary; Hereditary Cancer Syndrome. Identifiers: Orphanet 140162, MedGen C0027672, MeSH D009386, MONDO:0015356.

Submissions (3):

Ambry Genetics
Classification: Uncertain significance for Hereditary cancer-predisposing syndrome. Last evaluated: 2025-03-07. Review status: criteria provided, single submitter. Criteria: Ambry Variant Classification Scheme 2023. Collection method: clinical testing. Allele origin: germline.
Comment: The p.N1369K variant (also known as c.4107C>A), located in coding exon 32 of the POLE gene, results from a C to A substitution at nucleotide position 4107. The asparagine at codon 1369 is replaced by lysine, an amino acid with similar properties. This amino acid position is conserved. In addition, this alteration is predicted to be tolerated by in silico analysis. Based on the available evidence, the clinical significance of this variant remains unclear.

Labcorp Genetics (formerly Invitae), Labcorp
Classification: Uncertain significance. Last evaluated: 2023-05-13. Review status: criteria provided, single submitter. Criteria: Invitae Variant Classification Sherloc (09022015). Collection method: clinical testing. Allele origin: germline.
Comment: This sequence change replaces asparagine, which is neutral and polar, with lysine, which is basic and polar, at codon 1369 of the POLE protein (p.Asn1369Lys). This variant is not present in population databases (gnomAD no frequency). This variant has not been reported in the literature in individuals affected with POLE-related conditions. ClinVar contains an entry for this variant (Variation ID: 950556). Advanced modeling of protein sequence and biophysical properties (such as structural, functional, and spatial information, amino acid conservation, physicochemical variation, residue mobility, and thermodynamic stability) performed at Invitae indicates that this missense variant is expected to disrupt POLE protein function. In summary, the available evidence is currently insufficient to determine the role of this variant in disease. Therefore, it has been classified as a Variant of Uncertain Significance.

GeneDx
Classification: Uncertain significance. Last evaluated: 2023-02-23. Review status: criteria provided, single submitter. Criteria: GeneDx Variant Classification Process June 2021. Collection method: clinical testing. Allele origin: germline. Affected: yes.
Comment: Not observed at significant frequency in large population cohorts (gnomAD); In silico analysis supports that this missense variant has a deleterious effect on protein structure/function; Has not been previously published as pathogenic or benign to our knowledge